The following is an entry in ClinVar:

NM_018136.5(ASPM):c.8986C>T (p.Arg2996Trp)

Gene: ASPM (assembly factor for spindle microtubules; minus strand). Cytogenetic location: 1q31.3.
Variant type: single nucleotide variant.
Coding change: c.8986C>T on transcript NM_018136.5 (MANE Select); coding-DNA position 8986, C replaced by T.
Protein change: p.Arg2996Trp; replaces arginine 2996 with tryptophan.
Molecular consequence: missense variant.
Genome position (GRCh38, 1-based): chr1:197,095,999, G>A on the plus strand (C>T on the coding strand, the complement: ASPM is on the minus strand). VCF-style: chr1-197095999-G-A. GRCh37 (hg19) VCF-style: chr1-197065129-G-A.
Other names: c.4231C>T, p.Arg1411Trp (NM_001206846.2); short protein forms R2996W, R1411W.
Identifiers: ClinVar variation 434413 (VCV000434413.10), dbSNP rs772813676, ClinGen allele CA1309100.

ClinVar aggregate classification (germline): Conflicting classifications of pathogenicity. Review status: criteria provided, conflicting classifications (1 of 4 stars). 2 submissions from 2 submitters: Uncertain significance (1); Likely benign (1). Last evaluated 2022-08-06.

Allele frequency attached by ClinVar (database versions not stated): gnomAD exomes 0.00003; ExAC 0.00001; gnomAD 0.00003; TOPMed 0.00005.
gnomAD v4.1: 110 of 1,604,540 alleles (0.0069%); highest among the groups gnomAD compares: Middle Eastern, 0.017%; no homozygotes.

Submissions (2):

Labcorp Genetics (formerly Invitae), Labcorp
Classification: Uncertain significance. Last evaluated: 2022-08-06. Review status: criteria provided, single submitter. Criteria: Invitae Variant Classification Sherloc (09022015). Collection method: clinical testing. Allele origin: germline.
Comment: This sequence change replaces arginine, which is basic and polar, with tryptophan, which is neutral and slightly polar, at codon 2996 of the ASPM protein (p.Arg2996Trp). This variant is present in population databases (rs772813676, gnomAD 0.007%). This variant has not been reported in the literature in individuals affected with ASPM-related conditions. ClinVar contains an entry for this variant (Variation ID: 434413). Algorithms developed to predict the effect of missense changes on protein structure and function output the following: SIFT: "Tolerated"; PolyPhen-2: "Benign"; Align-GVGD: "Class C0". The tryptophan amino acid residue is found in multiple mammalian species, which suggests that this missense change does not adversely affect protein function. Algorithms developed to predict the effect of sequence changes on RNA splicing suggest that this variant may disrupt the consensus splice site. In summary, the available evidence is currently insufficient to determine the role of this variant in disease. Therefore, it has been classified as a Variant of Uncertain Significance.

Genetic Services Laboratory, University of Chicago
Classification: Likely benign. Last evaluated: 2016-05-10. Review status: criteria provided, single submitter. Criteria: ACMG Guidelines, 2015. Collection method: clinical testing. Allele origin: germline. Affected: no.